The following is an entry in ClinVar:

ClinVar aggregate classification (germline): Likely benign (1 of 4 stars; one submission).

Allele frequency attached by ClinVar (database versions not stated): ExAC 0.00004; gnomAD exomes 0.00004 and 0.00006; TOPMed 0.00006; ESP Exome Variant Server 0.00008; gnomAD 0.00009 and 0.00010.
gnomAD v4.1: 94 of 1,605,910 alleles (0.0059%); highest among the groups gnomAD compares: African/African-American, 0.008%; no homozygotes.

Submission:

GeneDx
Classification: Likely benign. Last evaluated: 2024-04-03. Review status: criteria provided, single submitter. Criteria: GeneDx Variant Classification Process June 2021. Collection method: clinical testing. Allele origin: germline. Affected: yes.
Comment: See Variant Classification Assertion Criteria.

NM_000152.5(GAA):c.-18T>A

Gene: GAA (alpha glucosidase; plus strand). Cytogenetic location: 17q25.3.
Variant type: single nucleotide variant.
Coding change: c.-18T>A on transcript NM_000152.5 (MANE Select); 18 bases upstream of the start codon, T replaced by A.
Molecular consequence: 5 prime UTR variant.
Genome position (GRCh38, 1-based): chr17:80,104,569, T>A. VCF-style: chr17-80104569-T-A. GRCh37 (hg19) VCF-style: chr17-78078368-T-A.
Other names: c.-18T>A (NM_001079803.3, NM_001079804.3).
Identifiers: ClinVar variation 671936 (VCV000671936.4), dbSNP rs376939861, ClinGen allele CA8814749.